The following is an entry in ClinVar:

ClinVar aggregate classification (germline): Uncertain significance (1 of 4 stars; one submission).

Conditions:
Hypertrophic cardiomyopathy. Also called: HYPERTROPHIC MYOCARDIOPATHY. Identifiers: Orphanet 217569, MedGen C0007194, MeSH D002312, MONDO:0005045, HP:0001639.

Submission:

Labcorp Genetics (formerly Invitae), Labcorp
Classification: Uncertain significance for Hypertrophic cardiomyopathy. Last evaluated: 2018-02-28. Review status: criteria provided, single submitter. Criteria: Invitae Variant Classification Sherloc (09022015). Collection method: clinical testing. Allele origin: germline.
Comment: This variant is a gross deletion of the genomic region encompassing exon 40 of the MYH7 gene. The 5' boundary is likely confined to intron 39. The 3' end of this event is unknown as it extends through the termination codon beyond the assayed region for this gene and may encompass additional genes. While this deletion is not anticipated to result in nonsense mediated decay, it is expected to create a truncated protein product or disrupt mRNA translation. A deletion of exon 40 that extends in to the 3' untranslated region of MYH7 has been reported in an individual affected with hypertrophic cardiomyopathy (PMID: 1361491).Â¬â€ ClinVar contains an entry for this variant (Variation ID: 14096). The current clinical and genetic evidence is not sufficient to establish whether loss-of-function variants in MYH7 cause disease. In summary, the available evidence is currently insufficient to determine the role of this variant in disease. Therefore, it has been classified as a Variant of Uncertain Significance.

Literature cited by the submitters: PubMed 1361491.

NC_000014.9:g.(?_23412834)_(23412891_?)del

Gene: MYH7 (myosin heavy chain 7; minus strand). Cytogenetic location: 14q11.2.
Variant type: Deletion.
Identifiers: ClinVar variation 584222 (VCV000584222.1).